The following is an entry in ClinVar:

ClinVar aggregate classification (germline): Uncertain significance (1 of 4 stars; one submission).

Conditions:
Holoprosencephaly 11 (HPE11). Identifiers: Orphanet 2162, MedGen C3280215, MONDO:0013642, OMIM 614226.

Submission:

Labcorp Genetics (formerly Invitae), Labcorp
Classification: Uncertain significance for Holoprosencephaly 11. Last evaluated: 2023-06-21. Review status: criteria provided, single submitter. Criteria: Invitae Variant Classification Sherloc (09022015). Collection method: clinical testing. Allele origin: germline.
Comment: This sequence change replaces methionine, which is neutral and non-polar, with lysine, which is basic and polar, at codon 904 of the CDON protein (p.Met904Lys). This variant is not present in population databases (gnomAD no frequency). This variant has not been reported in the literature in individuals affected with CDON-related conditions. Advanced modeling of protein sequence and biophysical properties (such as structural, functional, and spatial information, amino acid conservation, physicochemical variation, residue mobility, and thermodynamic stability) has been performed at Invitae for this missense variant, however the output from this modeling did not meet the statistical confidence thresholds required to predict the impact of this variant on CDON protein function. In summary, the available evidence is currently insufficient to determine the role of this variant in disease. Therefore, it has been classified as a Variant of Uncertain Significance.

NM_001378964.1(CDON):c.2711T>A (p.Met904Lys)

Gene: CDON (cell adhesion associated, oncogene regulated; minus strand). Cytogenetic location: 11q24.2.
Variant type: single nucleotide variant.
Coding change: c.2711T>A on transcript NM_001378964.1 (MANE Select); coding-DNA position 2711, T replaced by A.
Protein change: p.Met904Lys; replaces methionine 904 with lysine.
Molecular consequence: missense variant.
Genome position (GRCh38, 1-based): chr11:125,989,699, A>T on the plus strand (T>A on the coding strand, the complement: CDON is on the minus strand). VCF-style: chr11-125989699-A-T. GRCh37 (hg19) VCF-style: chr11-125859594-A-T.
Other names: c.2711T>A, p.Met904Lys (NM_001243597.3, NM_016952.6); short protein forms M904K.
Identifiers: ClinVar variation 2814560 (VCV002814560.3), dbSNP rs2497062118, ClinGen allele CA383202683.